The following is an entry in ClinVar:

NM_024757.5(EHMT1):c.2011A>G (p.Thr671Ala)

Gene: EHMT1 (euchromatic histone lysine methyltransferase 1; plus strand). Cytogenetic location: 9q34.3.
Variant type: single nucleotide variant.
Coding change: c.2011A>G on transcript NM_024757.5 (MANE Select); coding-DNA position 2011, A replaced by G.
Protein change: p.Thr671Ala; replaces threonine 671 with alanine.
Molecular consequence: missense variant.
Genome position (GRCh38, 1-based): chr9:137,776,837, A>G. VCF-style: chr9-137776837-A-G. GRCh37 (hg19) VCF-style: chr9-140671289-A-G.
Other names: c.2011A>G, p.Thr671Ala (NM_001145527.2); c.1918A>G, p.Thr640Ala (NM_001354259.2); c.1990A>G, p.Thr664Ala (NM_001354263.2); short protein forms T671A, T664A, T640A.
Identifiers: ClinVar variation 210919 (VCV000210919.9), dbSNP rs797045553, ClinGen allele CA206024.

ClinVar aggregate classification (germline): Uncertain significance. Review status: criteria provided, multiple submitters, no conflicts (2 of 4 stars). 2 submissions from 2 submitters: Uncertain significance (2). Last evaluated 2023-06-03.

Conditions:
Kleefstra syndrome 1 (KLEFS1). Identifiers: Orphanet 261494, MedGen C0795833, MONDO:0027407, OMIM 610253.

Allele frequency attached by ClinVar (database versions not stated): gnomAD exomes below 0.00001.
gnomAD v4.1: 1 of 1,613,718 alleles (0.000062%); highest among the groups gnomAD compares: Non-Finnish European, 0.000085%; no homozygotes.

Submissions (2):

Labcorp Genetics (formerly Invitae), Labcorp
Classification: Uncertain significance for Kleefstra syndrome 1. Last evaluated: 2023-06-03. Review status: criteria provided, single submitter. Criteria: Invitae Variant Classification Sherloc (09022015). Collection method: clinical testing. Allele origin: germline.
Comment: This sequence change replaces threonine, which is neutral and polar, with alanine, which is neutral and non-polar, at codon 671 of the EHMT1 protein (p.Thr671Ala). This variant is not present in population databases (gnomAD no frequency). This variant has not been reported in the literature in individuals affected with EHMT1-related conditions. ClinVar contains an entry for this variant (Variation ID: 210919). Advanced modeling of protein sequence and biophysical properties (such as structural, functional, and spatial information, amino acid conservation, physicochemical variation, residue mobility, and thermodynamic stability) performed at Invitae indicates that this missense variant is not expected to disrupt EHMT1 protein function. In summary, the available evidence is currently insufficient to determine the role of this variant in disease. Therefore, it has been classified as a Variant of Uncertain Significance.

Genetic Services Laboratory, University of Chicago
Classification: Uncertain significance. Last evaluated: 2015-05-08. Review status: criteria provided, single submitter. Criteria: ACMG Guidelines, 2015. Collection method: clinical testing. Allele origin: germline.